The following is an entry in ClinVar:

NM_015559.3(SETBP1):c.1385C>T (p.Pro462Leu)

Gene: SETBP1 (SET binding protein 1; plus strand). Cytogenetic location: 18q12.3.
Variant type: single nucleotide variant.
Coding change: c.1385C>T on transcript NM_015559.3 (MANE Select); coding-DNA position 1385, C replaced by T.
Protein change: p.Pro462Leu; replaces proline 462 with leucine.
Molecular consequence: missense variant.
Genome position (GRCh38, 1-based): chr18:44,950,725, C>T. VCF-style: chr18-44950725-C-T. GRCh37 (hg19) VCF-style: chr18-42530690-C-T.
Other names: c.1385C>T, p.Pro462Leu (NM_001379141.1, NM_001379142.1, NM_001410862.1); short protein forms P462L.
Identifiers: ClinVar variation 2903208 (VCV002903208.3), dbSNP rs746767025, ClinGen allele CA8945608.

ClinVar aggregate classification (germline): Uncertain significance (1 of 4 stars; one submission).

Allele frequency attached by ClinVar (database versions not stated): TOPMed 0.00001; gnomAD exomes 0.00002; ExAC 0.00005.
gnomAD v4.1: 38 of 1,613,924 alleles (0.0024%); highest among the groups gnomAD compares: Non-Finnish European, 0.003%; no homozygotes.

Submission:

Labcorp Genetics (formerly Invitae), Labcorp
Classification: Uncertain significance. Last evaluated: 2023-12-09. Review status: criteria provided, single submitter. Criteria: Invitae Variant Classification Sherloc (09022015). Collection method: clinical testing. Allele origin: germline.
Comment: This sequence change replaces proline, which is neutral and non-polar, with leucine, which is neutral and non-polar, at codon 462 of the SETBP1 protein (p.Pro462Leu). This variant is present in population databases (rs746767025, gnomAD 0.005%). This variant has not been reported in the literature in individuals affected with SETBP1-related conditions. Advanced modeling of protein sequence and biophysical properties (such as structural, functional, and spatial information, amino acid conservation, physicochemical variation, residue mobility, and thermodynamic stability) performed at Invitae indicates that this missense variant is not expected to disrupt SETBP1 protein function with a negative predictive value of 80%. In summary, the available evidence is currently insufficient to determine the role of this variant in disease. Therefore, it has been classified as a Variant of Uncertain Significance.